The following is an entry in ClinVar:

NM_020708.5(SLC12A5):c.3040G>A (p.Val1014Met)

Gene: SLC12A5 (solute carrier family 12 member 5; plus strand). Cytogenetic location: 20q13.12.
Variant type: single nucleotide variant.
Coding change: c.3040G>A on transcript NM_020708.5 (MANE Select); coding-DNA position 3040, G replaced by A.
Protein change: p.Val1014Met; replaces valine 1014 with methionine.
Molecular consequence: missense variant.
Genome position (GRCh38, 1-based): chr20:46,056,494, G>A. VCF-style: chr20-46056494-G-A. GRCh37 (hg19) VCF-style: chr20-44685133-G-A.
Other names: c.3109G>A, p.Val1037Met (NM_001134771.2); short protein forms V1014M, V1037M.
Identifiers: ClinVar variation 1428568 (VCV001428568.6), dbSNP rs2145508136, ClinGen allele CA409207949.

ClinVar aggregate classification (germline): Uncertain significance (1 of 4 stars; one submission).

Conditions:
Developmental and epileptic encephalopathy, 34 (DEE34). Also called: SLC12A5-Related Epilepsy of Infancy with Migrating Focal Seizures; Early infantile epileptic encephalopathy 34. Identifiers: Orphanet 293181, MedGen C4225257, MONDO:0014718, OMIM 616645.

Submission:

Labcorp Genetics (formerly Invitae), Labcorp
Classification: Uncertain significance for Developmental and epileptic encephalopathy, 34. Last evaluated: 2022-08-23. Review status: criteria provided, single submitter. Criteria: Invitae Variant Classification Sherloc (09022015). Collection method: clinical testing. Allele origin: germline.
Comment: This sequence change replaces valine, which is neutral and non-polar, with methionine, which is neutral and non-polar, at codon 1014 of the SLC12A5 protein (p.Val1014Met). This variant is not present in population databases (gnomAD no frequency). This variant has not been reported in the literature in individuals affected with SLC12A5-related conditions. ClinVar contains an entry for this variant (Variation ID: 1428568). Advanced modeling of protein sequence and biophysical properties (such as structural, functional, and spatial information, amino acid conservation, physicochemical variation, residue mobility, and thermodynamic stability) performed at Invitae indicates that this missense variant is not expected to disrupt SLC12A5 protein function. In summary, the available evidence is currently insufficient to determine the role of this variant in disease. Therefore, it has been classified as a Variant of Uncertain Significance.